The following is an entry in ClinVar:

NM_004006.3(DMD):c.646G>T (p.Glu216Ter)

Gene: DMD (dystrophin; minus strand). Cytogenetic location: Xp21.1.
Variant type: single nucleotide variant.
Coding change: c.646G>T on transcript NM_004006.3 (MANE Select); coding-DNA position 646, G replaced by T.
Protein change: p.Glu216Ter; replaces glutamic acid 216 with a stop codon.
Molecular consequence: nonsense.
Genome position (GRCh38, 1-based): chrX:32,809,496, C>A on the plus strand (G>T on the coding strand, the complement: DMD is on the minus strand). VCF-style: chrX-32809496-C-A. GRCh37 (hg19) VCF-style: chrX-32827613-C-A.
Other names: c.622G>T, p.Glu208Ter (NM_000109.4); c.634G>T, p.Glu212Ter (NM_004009.3); c.277G>T, p.Glu93Ter (NM_004010.3); short protein forms E93*, E208*, E212*, E216*.
Identifiers: ClinVar variation 1452322 (VCV001452322.6), dbSNP rs2148750599, ClinGen allele CA412673758.

ClinVar aggregate classification (germline): Pathogenic (1 of 4 stars; one submission).

Conditions:
Duchenne muscular dystrophy (DMD). Also called: Duchenne Muscular Dystrophy (DMD); MUSCULAR DYSTROPHY, PSEUDOHYPERTROPHIC PROGRESSIVE, DUCHENNE TYPE. Identifiers: Orphanet 98896, MedGen C0013264, MONDO:0010679, OMIM 310200.

Submission:

Labcorp Genetics (formerly Invitae), Labcorp
Classification: Pathogenic for Duchenne muscular dystrophy. Last evaluated: 2021-08-25. Review status: criteria provided, single submitter. Criteria: Invitae Variant Classification Sherloc (09022015). Collection method: clinical testing. Allele origin: germline.
Comment: For these reasons, this variant has been classified as Pathogenic. This variant is not present in population databases (ExAC no frequency). This sequence change creates a premature translational stop signal (p.Glu216*) in the DMD gene. It is expected to result in an absent or disrupted protein product. Loss-of-function variants in DMD are known to be pathogenic (PMID: 16770791, 25007885). This variant has not been reported in the literature in individuals affected with DMD-related conditions.

Literature cited by the submitters: PubMed 16770791; PubMed 25007885.